The following is an entry in ClinVar:

NM_002230.4(JUP):c.365T>C (p.Leu122Pro)

Gene: JUP (junction plakoglobin; minus strand). Cytogenetic location: 17q21.2.
Variant type: single nucleotide variant.
Coding change: c.365T>C on transcript NM_002230.4 (MANE Select); coding-DNA position 365, T replaced by C.
Protein change: p.Leu122Pro; replaces leucine 122 with proline.
Molecular consequence: missense variant.
Genome position (GRCh38, 1-based): chr17:41,769,521, A>G on the plus strand (T>C on the coding strand, the complement: JUP is on the minus strand). VCF-style: chr17-41769521-A-G. GRCh37 (hg19) VCF-style: chr17-39925773-A-G.
Other names: p.Leu122Pro; c.365T>C, p.Leu122Pro (NM_001352773.2, NM_001352774.2, NM_001352775.2 and 3 more transcripts); short protein forms L122P.
Identifiers: ClinVar variation 1423417 (VCV001423417.11), dbSNP rs2143694308, ClinGen allele CA399505249.

ClinVar aggregate classification (germline): Uncertain significance. Review status: criteria provided, multiple submitters, no conflicts (2 of 4 stars). 2 submissions from 2 submitters: Uncertain significance (2). Last evaluated 2021-05-19.

Conditions:
Naxos disease (NXD). Also called: KERATOSIS PALMOPLANTARIS WITH ARRHYTHMOGENIC CARDIOMYOPATHY; MAL DE NAXOS; PALMOPLANTAR KERATODERMA WITH ARRHYTHMOGENIC RIGHT VENTRICULAR CARDIOMYOPATHY AND WOOLLY HAIR; WOOLLY HAIR, PALMOPLANTAR KERATODERMA, AND CARDIAC ABNORMALITIES; CARDIOMYOPATHY, ARRHYTHMOGENIC RIGHT VENTRICULAR, WITH SKIN, HAIR, AND NAIL ABNORMALITIES. Identifiers: Orphanet 34217, MedGen C1832600, MONDO:0011017, OMIM 601214.
Arrhythmogenic right ventricular dysplasia 12. Also called: ARRHYTHMOGENIC RIGHT VENTRICULAR DYSPLASIA, FAMILIAL, 12. Identifiers: MedGen C1969081, MONDO:0012684, OMIM 611528.

Allele frequency attached by ClinVar (database versions not stated): gnomAD exomes below 0.00001.

Submissions (2):

Labcorp Genetics (formerly Invitae), Labcorp
Classification: Uncertain significance for Arrhythmogenic right ventricular dysplasia 12; Naxos disease. Last evaluated: 2021-05-19. Review status: criteria provided, single submitter. Criteria: Invitae Variant Classification Sherloc (09022015). Collection method: clinical testing. Allele origin: germline.
Comment: Algorithms developed to predict the effect of missense changes on protein structure and function are either unavailable or do not agree on the potential impact of this missense change (SIFT: "Deleterious"; PolyPhen-2: "Benign"; Align-GVGD: "Class C0"). In summary, the available evidence is currently insufficient to determine the role of this variant in disease. Therefore, it has been classified as a Variant of Uncertain Significance. This variant has not been reported in the literature in individuals with JUP-related conditions. This variant is not present in population databases (ExAC no frequency). This sequence change replaces leucine with proline at codon 122 of the JUP protein (p.Leu122Pro). The leucine residue is moderately conserved and there is a moderate physicochemical difference between leucine and proline.

Mayo Clinic Laboratories, Mayo Clinic
Classification: Uncertain significance. Last evaluated: 2021-04-08. Review status: criteria provided, single submitter. Criteria: ACMG Guidelines, 2015. Collection method: clinical testing. Allele origin: germline.